The following is an entry in ClinVar:

NM_001354604.2(MITF):c.355-829A>G

Gene: MITF (melanocyte inducing transcription factor; plus strand). Cytogenetic location: 3p13.
Variant type: single nucleotide variant.
Coding change: c.355-829A>G on transcript NM_001354604.2 (MANE Select); 829 bases into the intron before coding-DNA position 355, A replaced by G.
Molecular consequence: intron variant.
Genome position (GRCh38, 1-based): chr3:69,936,993, A>G. VCF-style: chr3-69936993-A-G. GRCh37 (hg19) VCF-style: chr3-69986144-A-G.
Other names: c.355-829A>G (NM_198159.3); c.352-829A>G (NM_001354605.2, NM_001354606.2, NM_006722.3); c.199-829A>G (NM_001184967.2, NM_001354608.2); c.307-829A>G (NM_198177.3); c.33+238A>G (NM_000248.4, NM_198158.3, NM_198178.3 and 1 more transcripts); c.304-829A>G (NM_001354607.2).
Identifiers: ClinVar variation 677844 (VCV000677844.2), dbSNP rs73117325, ClinGen allele CA77000479.

ClinVar aggregate classification (germline): Likely benign. Review status: criteria provided, multiple submitters, no conflicts (2 of 4 stars). 2 submissions from 2 submitters: Likely benign (2). Last evaluated 2018-06-18.

Allele frequency attached by ClinVar (database versions not stated): 1000 Genomes Project 0.00300; 1000 Genomes Project 30x 0.00328; gnomAD exomes 0.00701; gnomAD 0.00743 and 0.00761; TOPMed 0.00754.
gnomAD v4.1: 3,016 of 417,404 alleles (0.72%); highest among the groups gnomAD compares: Middle Eastern, 2.2%; 23 homozygotes.

Submissions (2):

GeneDx
Classification: Likely benign. Last evaluated: 2018-06-18. Review status: criteria provided, single submitter. Criteria: GeneDx Variant Classification (06012015). Collection method: clinical testing. Allele origin: germline. Affected: yes.
Comment: This variant is considered likely benign or benign based on one or more of the following criteria: it is a conservative change, it occurs at a poorly conserved position in the protein, it is predicted to be benign by multiple in silico algorithms, and/or has population frequency not consistent with disease.

Breakthrough Genomics
Classification: Likely benign. Review status: criteria provided, single submitter. Criteria: ACMG Guidelines, 2015. Collection method: not provided. Allele origin: germline. Inheritance: Autosomal recessive inheritance. Affected: yes.